The following is an entry in ClinVar:

ClinVar aggregate classification (germline): Pathogenic (1 of 4 stars; one submission).

Conditions:
Microphthalmia with brain and digit anomalies (MCOPS6). Also called: MICROPHTHALMIA AND PITUITARY ANOMALIES; Microphthalmia, syndromic 6. Identifiers: Orphanet 139471, MedGen C1864689, MONDO:0011936, OMIM 607932.
Orofacial cleft 11 (OFC11). Also called: CLEFT LIP WITH OR WITHOUT CLEFT PALATE, NONSYNDROMIC, 11; Orofacial cleft 11; ofc11. Identifiers: MedGen C2677434, MONDO:0010906, OMIM 600625.

Submission:

Labcorp Genetics (formerly Invitae), Labcorp
Classification: Pathogenic for Microphthalmia with brain and digit anomalies; Orofacial cleft 11. Last evaluated: 2021-02-15. Review status: criteria provided, single submitter. Criteria: Invitae Variant Classification Sherloc (09022015). Collection method: clinical testing. Allele origin: germline.
Comment: A gross deletion of the genomic region encompassing the full coding sequence of the BMP4 gene has been identified. Loss-of-function variants in BMP4 are known to be pathogenic (PMID: 18252212, 21340693). The boundaries of this event are unknown as they extend beyond the assayed region for this gene and therefore may encompass additional genes. A similar copy number variant has been observed in individual(s) with microphthalmia (PMID: 21340693). For these reasons, this variant has been classified as Pathogenic.

Literature cited by the submitters: PubMed 18252212; PubMed 21340693.

NC_000014.8:g.(?_54416750)_(55369403_?)del

Genes: SAMD4A (sterile alpha motif domain containing 4A; plus strand), GCH1 (GTP cyclohydrolase 1; minus strand), CDKN3 (cyclin dependent kinase inhibitor 3; plus strand), BMP4 (bone morphogenetic protein 4; minus strand), CNIH1 (cornichon family member 1; minus strand) and 2 more. Cytogenetic location: 14q22.2.
Variant type: Deletion.
Identifiers: ClinVar variation 1455396 (VCV001455396.1).